The following is an entry in ClinVar:

ClinVar aggregate classification (germline): Uncertain significance (1 of 4 stars; one submission).

Conditions:
Primary ciliary dyskinesia. Also called: Ciliary dyskinesia. Identifiers: Orphanet 244, MedGen C0008780, MONDO:0016575, HP:0012265.

Submission:

Ambry Genetics
Classification: Uncertain significance for Primary ciliary dyskinesia. Last evaluated: 2016-03-08. Review status: criteria provided, single submitter. Criteria: Ambry Variant Classification Scheme 2023. Collection method: clinical testing. Allele origin: germline.
Comment: The p.L43F variant (also known as c.127C>T), located in coding exon 1 of the DNAAF2 gene, results from a C to T substitution at nucleotide position 127. The leucine at codon 43 is replaced by phenylalanine, an amino acid with highly similar properties. This variant was not reported in population based cohorts in the following databases: Database of Single Nucleotide Polymorphisms (dbSNP), NHLBI Exome Sequencing Project (ESP), and 1000 Genomes Project. In the ESP, this variant was not observed in 5893 samples (11786 alleles) with coverage at this position. This amino acid position is not well conserved in available vertebrate species. In addition, this alteration is predicted to be tolerated by in silico analysis. Since supporting evidence is limited at this time, the clinical significance of this variant remains unclear.

NM_018139.3(DNAAF2):c.127C>T (p.Leu43Phe)

Gene: DNAAF2 (dynein axonemal assembly factor 2; minus strand). Cytogenetic location: 14q21.3.
Variant type: single nucleotide variant.
Coding change: c.127C>T on transcript NM_018139.3 (MANE Select); coding-DNA position 127, C replaced by T.
Protein change: p.Leu43Phe; replaces leucine 43 with phenylalanine.
Molecular consequence: missense variant.
Genome position (GRCh38, 1-based): chr14:49,635,023, G>A on the plus strand (C>T on the coding strand, the complement: DNAAF2 is on the minus strand). VCF-style: chr14-49635023-G-A. GRCh37 (hg19) VCF-style: chr14-50101741-G-A.
Other names: c.127C>T, p.Leu43Phe (NM_001083908.2); short protein forms L43F.
Identifiers: ClinVar variation 1767519 (VCV001767519.2), dbSNP rs2502772846, ClinGen allele CA389632603.